The following is an entry in ClinVar:

NM_001958.5(EEF1A2):c.54C>G (p.Ser18=)

Gene: EEF1A2 (eukaryotic translation elongation factor 1 alpha 2; minus strand). Cytogenetic location: 20q13.33.
Variant type: single nucleotide variant.
Coding change: c.54C>G on transcript NM_001958.5 (MANE Select); coding-DNA position 54, C replaced by G.
Protein change: p.Ser18=; no amino-acid change (serine 18 retained).
Molecular consequence: synonymous variant.
Genome position (GRCh38, 1-based): chr20:63,497,710, G>C on the plus strand (C>G on the coding strand, the complement: EEF1A2 is on the minus strand). VCF-style: chr20-63497710-G-C. GRCh37 (hg19) VCF-style: chr20-62129063-G-C.
Identifiers: ClinVar variation 385217 (VCV000385217.22), dbSNP rs200759764, ClinGen allele CA9959209.

ClinVar aggregate classification (germline): Benign/Likely benign. Review status: criteria provided, multiple submitters, no conflicts (2 of 4 stars). 6 submissions from 6 submitters: Benign (2); Likely benign (4). Last evaluated 2026-03-01.

Conditions:
Inborn genetic diseases. Identifiers: MedGen C0950123, MeSH D030342.
Developmental and epileptic encephalopathy, 33 (DEE33). Also called: Epileptic encephalopathy, early infantile, 33. Identifiers: Orphanet 442835, MedGen C4225337, MONDO:0014625, OMIM 616409.

Allele frequency attached by ClinVar (database versions not stated): TOPMed 0.00041; 1000 Genomes Project 30x 0.00062; 1000 Genomes Project 0.00080; ESP Exome Variant Server 0.00023.
gnomAD v4.1: 130 of 1,613,034 alleles (0.0081%); highest among the groups gnomAD compares: African/African-American, 0.15%; no homozygotes.

Submissions (6):

CeGaT Center for Human Genetics Tuebingen
Classification: Likely benign. Last evaluated: 2026-03-01. Review status: criteria provided, single submitter. Criteria: CeGaT Center For Human Genetics Tuebingen Variant Classification Criteria Version 2. Collection method: clinical testing. Allele origin: germline. Affected: yes. Observed: 1 variant allele.
Comment: EEF1A2: BP4, BP7

Labcorp Genetics (formerly Invitae), Labcorp
Classification: Likely benign for Developmental and epileptic encephalopathy, 33. Last evaluated: 2025-12-13. Review status: criteria provided, single submitter. Criteria: Invitae Variant Classification Sherloc (09022015). Collection method: clinical testing. Allele origin: germline.

Blueprint Genetics
Classification: Likely benign. Last evaluated: 2024-01-16. Review status: criteria provided, single submitter. Criteria: ACMG Guidelines, 2015. Collection method: clinical testing. Allele origin: germline.

GeneDx
Classification: Benign. Last evaluated: 2020-06-22. Review status: criteria provided, single submitter. Criteria: GeneDx Variant Classification Process June 2021. Collection method: clinical testing. Allele origin: germline. Affected: yes.

Athena Diagnostics
Classification: Benign. Last evaluated: 2018-08-07. Review status: criteria provided, single submitter. Criteria: Athena Diagnostics Criteria. Collection method: clinical testing. Allele origin: germline.

Ambry Genetics
Classification: Likely benign for Inborn genetic diseases. Last evaluated: 2017-07-31. Review status: criteria provided, single submitter. Criteria: Ambry Variant Classification Scheme 2023. Collection method: clinical testing. Allele origin: germline.